The following is an entry in ClinVar:

NM_015065.3(EXPH5):c.1134C>T (p.Ser378=)

Gene: EXPH5 (exophilin 5; minus strand). Cytogenetic location: 11q22.3.
Variant type: single nucleotide variant.
Coding change: c.1134C>T on transcript NM_015065.3 (MANE Select); coding-DNA position 1134, C replaced by T.
Protein change: p.Ser378=; no amino-acid change (serine 378 retained).
Molecular consequence: synonymous variant.
Genome position (GRCh38, 1-based): chr11:108,514,373, G>A on the plus strand (C>T on the coding strand, the complement: EXPH5 is on the minus strand). VCF-style: chr11-108514373-G-A. GRCh37 (hg19) VCF-style: chr11-108385100-G-A.
Other names: c.906C>T, p.Ser302= (NM_001441069.1, NM_001441070.1, NM_001441071.1 and 5 more transcripts); c.903C>T, p.Ser301= (NM_001441073.1, NM_001441074.1, NM_001441075.1); c.663C>T, p.Ser221= (NM_001441076.1); c.666C>T, p.Ser222= (NM_001144764.2); c.570C>T, p.Ser190= (NM_001144765.2); c.1113C>T, p.Ser371= (NM_001308019.2); c.1131C>T, p.Ser377= (NM_001441059.1); c.1110C>T, p.Ser370= (NM_001441060.1); and 1 more.
Identifiers: ClinVar variation 4736830 (VCV004736830.2).

ClinVar aggregate classification (germline): Likely benign. Review status: criteria provided, multiple submitters, no conflicts (2 of 4 stars). 2 submissions from 2 submitters: Likely benign (2). Last evaluated 2026-04-21.

Conditions:
EXPH5-related disorder. Also called: EXPH5-related condition.

gnomAD v4.1: 864 of 1,613,896 alleles (0.054%); highest among the groups gnomAD compares: Non-Finnish European, 0.067%; 2 homozygotes.

Submissions (2):

PreventionGenetics, part of Exact Sciences
Classification: Likely benign for EXPH5-related condition. Last evaluated: 2026-04-21. Review status: criteria provided, single submitter. Criteria: ACMG Guidelines, 2015. Collection method: clinical testing. Allele origin: germline.
Comment: This variant is classified as likely benign based on ACMG/AMP sequence variant interpretation guidelines (Richards et al. 2015 PMID: 25741868, with internal and published modifications).

Labcorp Genetics (formerly Invitae), Labcorp
Classification: Likely benign. Last evaluated: 2025-07-29. Review status: criteria provided, single submitter. Criteria: Invitae Variant Classification Sherloc (09022015). Collection method: clinical testing. Allele origin: germline.